The following is an entry in ClinVar:

ClinVar aggregate classification (germline): Uncertain significance (1 of 4 stars; one submission).

Conditions:
Primary immunodeficiency with post-measles-mumps-rubella vaccine viral infection. Also called: Immunodeficiency 44. Identifiers: Orphanet 431166, MedGen C4225260, MONDO:0014715, OMIM 616636.

Allele frequency attached by ClinVar (database versions not stated): TOPMed 0.00002.
gnomAD v4.1: 2 of 1,614,120 alleles (0.00012%); highest among the groups gnomAD compares: African/African-American, 0.0027%; no homozygotes.

Submission:

Labcorp Genetics (formerly Invitae), Labcorp
Classification: Uncertain significance for Primary immunodeficiency with post-measles-mumps-rubella vaccine viral infection. Last evaluated: 2024-04-29. Review status: criteria provided, single submitter. Criteria: Invitae Variant Classification Sherloc (09022015). Collection method: clinical testing. Allele origin: germline.
Comment: This sequence change replaces aspartic acid, which is acidic and polar, with glycine, which is neutral and non-polar, at codon 16 of the STAT2 protein (p.Asp16Gly). This variant is present in population databases (rs761370532, gnomAD 0.008%). This variant has not been reported in the literature in individuals affected with STAT2-related conditions. ClinVar contains an entry for this variant (Variation ID: 863237). Advanced modeling of protein sequence and biophysical properties (such as structural, functional, and spatial information, amino acid conservation, physicochemical variation, residue mobility, and thermodynamic stability) performed at Invitae indicates that this missense variant is expected to disrupt STAT2 protein function with a positive predictive value of 80%. Algorithms developed to predict the effect of sequence changes on RNA splicing suggest that this variant may disrupt the consensus splice site. In summary, the available evidence is currently insufficient to determine the role of this variant in disease. Therefore, it has been classified as a Variant of Uncertain Significance.

NM_005419.4(STAT2):c.47A>G (p.Asp16Gly)

Gene: STAT2 (signal transducer and activator of transcription 2; minus strand). Cytogenetic location: 12q13.3.
Variant type: single nucleotide variant.
Coding change: c.47A>G on transcript NM_005419.4 (MANE Select); coding-DNA position 47, A replaced by G.
Protein change: p.Asp16Gly; replaces aspartic acid 16 with glycine.
Molecular consequence: missense variant.
Genome position (GRCh38, 1-based): chr12:56,356,525, T>C on the plus strand (A>G on the coding strand, the complement: STAT2 is on the minus strand). VCF-style: chr12-56356525-T-C. GRCh37 (hg19) VCF-style: chr12-56750309-T-C.
Other names: c.47A>G, p.Asp16Gly (NM_198332.2); short protein forms D16G.
Identifiers: ClinVar variation 863237 (VCV000863237.7), dbSNP rs761370532, ClinGen allele CA6630967.